The following is an entry in ClinVar:

NM_001286.5(CLCN6):c.1229A>G (p.Asn410Ser)

Gene: CLCN6 (chloride voltage-gated channel 6; plus strand). Cytogenetic location: 1p36.22.
Variant type: single nucleotide variant.
Coding change: c.1229A>G on transcript NM_001286.5 (MANE Select); coding-DNA position 1229, A replaced by G.
Protein change: p.Asn410Ser; replaces asparagine 410 with serine.
Molecular consequence: missense variant. On other transcripts: non-coding transcript variant (1).
Genome position (GRCh38, 1-based): chr1:11,829,303, A>G. VCF-style: chr1-11829303-A-G. GRCh37 (hg19) VCF-style: chr1-11889360-A-G.
Other names: c.1163A>G, p.Asn388Ser (NM_001256959.2); short protein forms N388S, N410S.
Identifiers: ClinVar variation 4708345 (VCV004708345.1).

ClinVar aggregate classification (germline): Uncertain significance (1 of 4 stars; one submission).

gnomAD v4.1: 19 of 1,614,106 alleles (0.0012%); highest among the groups gnomAD compares: Non-Finnish European, 0.0014%; no homozygotes.

Submission:

Labcorp Genetics (formerly Invitae), Labcorp
Classification: Uncertain significance. Last evaluated: 2025-09-18. Review status: criteria provided, single submitter. Criteria: Invitae Variant Classification Sherloc (09022015). Collection method: clinical testing. Allele origin: germline.
Comment: This sequence change replaces asparagine, which is neutral and polar, with serine, which is neutral and polar, at codon 410 of the CLCN6 protein (p.Asn410Ser). The frequency data for this variant in the population databases is considered unreliable, as metrics indicate poor data quality at this position in the gnomAD database. This variant has not been reported in the literature in individuals affected with CLCN6-related conditions. An algorithm developed to predict the effect of missense changes on protein structure and function (PolyPhen-2) suggests that this variant is likely to be tolerated. In summary, the available evidence is currently insufficient to determine the role of this variant in disease. Therefore, it has been classified as a Variant of Uncertain Significance.